The following is an entry in ClinVar:

ClinVar aggregate classification (germline): Uncertain significance (1 of 4 stars; one submission).

Allele frequency attached by ClinVar (database versions not stated): gnomAD exomes below 0.00001.
gnomAD v4.1: 1 of 1,614,012 alleles (0.000062%); highest among the groups gnomAD compares: South Asian, 0.0011%; no homozygotes.

Submission:

CeGaT Center for Human Genetics Tuebingen
Classification: Uncertain significance. Last evaluated: 2023-03-01. Review status: criteria provided, single submitter. Criteria: CeGaT Center For Human Genetics Tuebingen Variant Classification Criteria Version 2. Collection method: clinical testing. Allele origin: germline. Affected: yes. Observed: 1 variant allele.
Comment: MAP3K1: PM2, BP4

NM_005921.2(MAP3K1):c.739G>A (p.Gly247Ser)

Gene: MAP3K1 (mitogen-activated protein kinase kinase kinase 1; plus strand). Cytogenetic location: 5q11.2.
Variant type: single nucleotide variant.
Coding change: c.739G>A on transcript NM_005921.2 (MANE Select); coding-DNA position 739, G replaced by A.
Protein change: p.Gly247Ser; replaces glycine 247 with serine.
Molecular consequence: missense variant.
Genome position (GRCh38, 1-based): chr5:56,859,820, G>A. VCF-style: chr5-56859820-G-A. GRCh37 (hg19) VCF-style: chr5-56155647-G-A.
Other names: short protein forms G247S.
Identifiers: ClinVar variation 2655469 (VCV002655469.24), dbSNP rs2530894226, ClinGen allele CA359802529.